The following is an entry in ClinVar:

NM_201253.3(CRB1):c.3914C>G (p.Pro1305Arg)

Gene: CRB1 (crumbs cell polarity complex component 1; plus strand). Cytogenetic location: 1q31.3.
Variant type: single nucleotide variant.
Coding change: c.3914C>G on transcript NM_201253.3 (MANE Select); coding-DNA position 3914, C replaced by G.
Protein change: p.Pro1305Arg; replaces proline 1305 with arginine.
Molecular consequence: missense variant. On other transcripts: non-coding transcript variant (2).
Genome position (GRCh38, 1-based): chr1:197,442,201, C>G. VCF-style: chr1-197442201-C-G. GRCh37 (hg19) VCF-style: chr1-197411331-C-G.
Other names: c.3578C>G, p.Pro1193Arg (NM_001193640.2); c.3842C>G, p.Pro1281Arg (NM_001257965.2); c.2306C>G, p.Pro769Arg (NM_001257966.2); short protein forms P1281R, P1305R, P769R, P1193R.
Identifiers: ClinVar variation 2950516 (VCV002950516.3), dbSNP rs1391910861, ClinGen allele CA344052515.

ClinVar aggregate classification (germline): Likely pathogenic (1 of 4 stars; one submission).

Conditions:
Retinitis pigmentosa 12 (RP12). Also called: RP WITH OR WITHOUT PRESERVED PARAARTERIOLE RETINAL PIGMENT EPITHELIUM; RETINITIS PIGMENTOSA WITH OR WITHOUT PARAARTERIOLAR PRESERVATION OF RETINAL PIGMENT EPITHELIUM; RP WITH OR WITHOUT PPRPE. Identifiers: Orphanet 791, MedGen C1838647, MONDO:0010818, OMIM 600105.
Leber congenital amaurosis 8 (LCA8). Identifiers: Orphanet 65, MedGen C3151202, MONDO:0013453, OMIM 613835.

Submission:

Labcorp Genetics (formerly Invitae), Labcorp
Classification: Likely pathogenic for Leber congenital amaurosis 8; Retinitis pigmentosa 12. Last evaluated: 2023-07-31. Review status: criteria provided, single submitter. Criteria: Invitae Variant Classification Sherloc (09022015). Collection method: clinical testing. Allele origin: germline.
Comment: In summary, the currently available evidence indicates that the variant is pathogenic, but additional data are needed to prove that conclusively. Therefore, this variant has been classified as Likely Pathogenic. This variant disrupts the p.Pro1305 amino acid residue in CRB1. Other variant(s) that disrupt this residue have been determined to be pathogenic (PMID: 22128245, 33342761; Invitae). This suggests that this residue is clinically significant, and that variants that disrupt this residue are likely to be disease-causing. Advanced modeling of protein sequence and biophysical properties (such as structural, functional, and spatial information, amino acid conservation, physicochemical variation, residue mobility, and thermodynamic stability) performed at Invitae indicates that this missense variant is expected to disrupt CRB1 protein function. This variant has not been reported in the literature in individuals affected with CRB1-related conditions. This variant is not present in population databases (gnomAD no frequency). This sequence change replaces proline, which is neutral and non-polar, with arginine, which is basic and polar, at codon 1305 of the CRB1 protein (p.Pro1305Arg).

Literature cited by the submitters: PubMed 22128245; PubMed 33342761.